The following is an entry in ClinVar:

ClinVar aggregate classification (germline): Likely pathogenic (1 of 4 stars; one submission).

Submission:

GeneDx
Classification: Likely pathogenic. Last evaluated: 2016-06-14. Review status: criteria provided, single submitter. Criteria: GeneDx Variant Classification (06012015). Collection method: clinical testing. Allele origin: germline. Affected: yes.
Comment: The R1243Q variant in the SMARCA4 gene has not been reported previously as a pathogenic variant, nor as a benign variant, to our knowledge. This variant was not observed in approximately 6500 individuals of European and African American ancestry in the NHLBI Exome Sequencing Project, indicating it is not a common benign variant in these populations. The R1243Q variant is a semi-conservative amino acid substitution, which may impact secondary protein structure as these residues differ in some properties. This substitution occurs at a position that is conserved across species. In silico analysis is inconsistent in its predictions as to whether or not the variant is damaging to the protein structure/function. The R1243Q variant is a strong candidate for a pathogenic variant

NM_003072.5(SMARCA4):c.3728G>A (p.Arg1243Gln)

Gene: SMARCA4 (SWI/SNF related, matrix associated, actin dependent regulator of chromatin, subfamily a, member 4; plus strand). Cytogenetic location: 19p13.2.
Variant type: single nucleotide variant.
Coding change: c.3728G>A on transcript NM_003072.5 (MANE Select); coding-DNA position 3728, G replaced by A.
Protein change: p.Arg1243Gln; replaces arginine 1243 with glutamine.
Molecular consequence: missense variant. On other transcripts: non-coding transcript variant (1).
Genome position (GRCh38, 1-based): chr19:11,033,471, G>A. VCF-style: chr19-11033471-G-A. GRCh37 (hg19) VCF-style: chr19-11144147-G-A.
Other names: c.3728G>A, p.Arg1243Gln (NM_001128844.3, NM_001128845.2, NM_001128846.2 and 5 more transcripts); short protein forms R1243Q.
Identifiers: ClinVar variation 421473 (VCV000421473.2), dbSNP rs1064795161, ClinGen allele CA16620735.